The following is an entry in ClinVar:

ClinVar aggregate classification (germline): Uncertain significance (1 of 4 stars; one submission).

Conditions:
Cardiovascular phenotype. Identifiers: MedGen CN230736.
Hereditary cancer-predisposing syndrome. Also called: Tumor predisposition; Neoplastic Syndromes, Hereditary; Hereditary neoplastic syndrome; Hereditary Cancer Syndrome. Identifiers: Orphanet 140162, MedGen C0027672, MeSH D009386, MONDO:0015356.

Submission:

Ambry Genetics
Classification: Uncertain significance for Cardiovascular phenotype; Hereditary cancer-predisposing syndrome. Last evaluated: 2025-08-02. Review status: criteria provided, single submitter. Criteria: Ambry Variant Classification Scheme 2023. Collection method: clinical testing. Allele origin: germline.
Comment: The p.Q762E variant (also known as c.2284C>G), located in coding exon 19 of the LZTR1 gene, results from a C to G substitution at nucleotide position 2284. The glutamine at codon 762 is replaced by glutamic acid, an amino acid with highly similar properties. This amino acid position is conserved. In addition, the in silico prediction for this alteration is inconclusive. Based on the available evidence, the clinical significance of this variant remains unclear.

NM_006767.4(LZTR1):c.2284C>G (p.Gln762Glu)

Gene: LZTR1 (leucine zipper like post translational regulator 1; plus strand). Cytogenetic location: 22q11.21.
Variant type: single nucleotide variant.
Coding change: c.2284C>G on transcript NM_006767.4 (MANE Select); coding-DNA position 2284, C replaced by G.
Protein change: p.Gln762Glu; replaces glutamine 762 with glutamic acid.
Molecular consequence: missense variant.
Genome position (GRCh38, 1-based): chr22:20,996,760, C>G. VCF-style: chr22-20996760-C-G. GRCh37 (hg19) VCF-style: chr22-21351049-C-G.
Other names: short protein forms Q762E.
Identifiers: ClinVar variation 4101912 (VCV004101912.1).
Genomic context (GRCh38, chr22:20,996,760, plus strand): 5'-TTGTTTGCGGCCCCCTACTACTACGGCTTCTACAACAACCGGCTGCAGGCGTACTGCAAG[C>G]AGAACCTGGAGATGAACGTGACGGTGCAGAACGTGCTGCAGGTAGCCCCCCAGCCCCGTG-3'
Protein context (NP_006758.2, residues 752-772): YNNRLQAYCK[Gln762Glu]NLEMNVTVQN